The following is an entry in ClinVar:

NM_000540.3(RYR1):c.8068-11G>A

Gene: RYR1 (ryanodine receptor 1; plus strand). Cytogenetic location: 19q13.2.
Variant type: single nucleotide variant.
Coding change: c.8068-11G>A on transcript NM_000540.3 (MANE Select); 11 bases into the intron before coding-DNA position 8068, G replaced by A.
Molecular consequence: intron variant.
Genome position (GRCh38, 1-based): chr19:38,504,737, G>A. VCF-style: chr19-38504737-G-A. GRCh37 (hg19) VCF-style: chr19-38995377-G-A.
Other names: c.8068-11G>A (NM_001042723.2).
Identifiers: ClinVar variation 1466396 (VCV001466396.7), dbSNP rs779289075, ClinGen allele CA071376.
Genomic context (GRCh38, chr19:38,504,737, plus strand): 5'-TGAGTTTGAGGTCCTGGGGGTCAGTAAGGCTTATAGCGACCTCCTACCCCTGCTTCACCC[G>A]GTTTTCCCAGAAATACGACCCGGAGCTGTACCGCATGGCCATGCCTTGTCTGTGCGCCAT-3'

ClinVar aggregate classification (germline): Uncertain significance. Review status: criteria provided, multiple submitters, no conflicts (2 of 4 stars). 3 submissions from 3 submitters: Uncertain significance (3). Last evaluated 2025-01-22.

Conditions:
RYR1-related disorder. Also called: RYR1-related condition; RYR1-related disorders. Identifiers: MedGen CN239331.
Malignant hyperthermia, susceptibility to, 1 (MHS1). Also called: RYR1-Related Malignant Hyperthermia Susceptibility; Malignant hyperthermia suceptibility 1; Anesthesia related hyperthermia; Malignant hyperpyrexia; Fulminating hyperpyrexia; Pharmacogenic myopathy. Identifiers: Orphanet 423, MedGen C2930980, MONDO:0007783, OMIM 145600.

Allele frequency attached by ClinVar (database versions not stated): TOPMed 0.00001; ExAC 0.00002; gnomAD exomes 0.00002 and 0.00005; gnomAD 0.00003 and 0.00004.
gnomAD v4.1: 40 of 1,613,754 alleles (0.0025%); highest among the groups gnomAD compares: South Asian, 0.0088%; no homozygotes.

Submissions (3):

GeneDx
Classification: Uncertain significance. Last evaluated: 2025-01-22. Review status: criteria provided, single submitter. Criteria: GeneDx Variant Classification Process June 2021. Collection method: clinical testing. Allele origin: germline. Affected: yes.
Comment: In silico analysis supports a deleterious effect on splicing; Has not been previously published as pathogenic or benign to our knowledge

Color Diagnostics, LLC DBA Color Health
Classification: Uncertain significance for Malignant hyperthermia, susceptibility to, 1. Last evaluated: 2024-04-25. Review status: criteria provided, single submitter. Criteria: ACMG Guidelines, 2015. Collection method: clinical testing. Allele origin: germline.
Comment: This variant causes a G to A nucleotide substitution at the -11 position of intron 50 of the RYR1 gene. Splice site prediction tools suggest that this variant may have a significant impact on RNA splicing. To our knowledge, functional studies have not been reported for this variant. This variant has not been reported in individuals affected with RYR1-related disorders in the literature. This variant has been identified in 13/282790 chromosomes in the general population by the Genome Aggregation Database (gnomAD). The available evidence is insufficient to determine the role of this variant in disease conclusively. Therefore, this variant is classified as a Variant of Uncertain Significance.

Labcorp Genetics (formerly Invitae), Labcorp
Classification: Uncertain significance for RYR1-related disorder. Last evaluated: 2022-07-25. Review status: criteria provided, single submitter. Criteria: Invitae Variant Classification Sherloc (09022015). Collection method: clinical testing. Allele origin: germline.
Comment: This sequence change falls in intron 50 of the RYR1 gene. It does not directly change the encoded amino acid sequence of the RYR1 protein. This variant is present in population databases (rs779289075, gnomAD 0.03%). This variant has not been reported in the literature in individuals affected with RYR1-related conditions. ClinVar contains an entry for this variant (Variation ID: 1466396). Algorithms developed to predict the effect of sequence changes on RNA splicing suggest that this variant may disrupt the consensus splice site. In summary, the available evidence is currently insufficient to determine the role of this variant in disease. Therefore, it has been classified as a Variant of Uncertain Significance.